The following is an entry in ClinVar:

ClinVar aggregate classification (germline): Uncertain significance. Review status: criteria provided, multiple submitters, no conflicts (2 of 4 stars). 2 submissions from 2 submitters: Uncertain significance (2). Last evaluated 2025-08-14.

Conditions:
Singleton-Merten syndrome 1 (SGMRT1). Also called: Widened medullary cavities of bone, aortic calcification, abnormal dentition, and muscular weakness; Syndrome of widened medullary cavities of the metacarpals and phalanges, aortic calcification and abnormal dentition. Identifiers: Orphanet 85191, MedGen C4225427, MONDO:0024535, OMIM 182250.
Aicardi-Goutieres syndrome 7 (AGS7). Identifiers: Orphanet 51, MedGen C3888244, MONDO:0014367, OMIM 615846.

Allele frequency attached by ClinVar (database versions not stated): gnomAD 0.00004 and 0.00003; TOPMed 0.00002; ExAC 0.00003; gnomAD exomes 0.00002; ESP Exome Variant Server 0.00008.
gnomAD v4.1: 44 of 1,609,904 alleles (0.0027%); highest among the groups gnomAD compares: Non-Finnish European, 0.0032%; no homozygotes.

Submissions (2):

Labcorp Genetics (formerly Invitae), Labcorp
Classification: Uncertain significance for Aicardi-Goutieres syndrome 7; Singleton-Merten syndrome 1. Last evaluated: 2025-08-14. Review status: criteria provided, single submitter. Criteria: Invitae Variant Classification Sherloc (09022015). Collection method: clinical testing. Allele origin: germline.
Comment: This sequence change replaces alanine, which is neutral and non-polar, with aspartic acid, which is acidic and polar, at codon 819 of the IFIH1 protein (p.Ala819Asp). This variant is present in population databases (rs200810568, gnomAD 0.004%). This variant has not been reported in the literature in individuals affected with IFIH1-related conditions. ClinVar contains an entry for this variant (Variation ID: 568597). An algorithm developed to predict the effect of missense changes on protein structure and function (PolyPhen-2) suggests that this variant is likely to be disruptive. In summary, the available evidence is currently insufficient to determine the role of this variant in disease. Therefore, it has been classified as a Variant of Uncertain Significance.

GeneDx
Classification: Uncertain significance. Last evaluated: 2025-01-26. Review status: criteria provided, single submitter. Criteria: GeneDx Variant Classification Process June 2021. Collection method: clinical testing. Allele origin: germline. Affected: yes.
Comment: In silico analysis supports that this missense variant has a deleterious effect on protein structure/function; Has not been previously published as pathogenic or benign to our knowledge

NM_022168.4(IFIH1):c.2456C>A (p.Ala819Asp)

Gene: IFIH1 (interferon induced with helicase C domain 1; minus strand). Cytogenetic location: 2q24.2.
Variant type: single nucleotide variant.
Coding change: c.2456C>A on transcript NM_022168.4 (MANE Select); coding-DNA position 2456, C replaced by A.
Protein change: p.Ala819Asp; replaces alanine 819 with aspartic acid.
Molecular consequence: missense variant.
Genome position (GRCh38, 1-based): chr2:162,272,386, G>T on the plus strand (C>A on the coding strand, the complement: IFIH1 is on the minus strand). VCF-style: chr2-162272386-G-T. GRCh37 (hg19) VCF-style: chr2-163128896-G-T.
Other names: c.2456C>A, p.Ala819Asp (LRG_1235t1); short protein forms A819D.
Identifiers: ClinVar variation 568597 (VCV000568597.10), dbSNP rs200810568, ClinGen allele CA1934166.